The following is an entry in ClinVar:

NM_020884.7(MYH7B):c.2542C>T (p.Arg848Cys)

Gene: MYH7B (myosin heavy chain 7B; plus strand). Cytogenetic location: 20q11.22.
Variant type: single nucleotide variant.
Coding change: c.2542C>T on transcript NM_020884.7 (MANE Select); coding-DNA position 2542, C replaced by T.
Protein change: p.Arg848Cys; replaces arginine 848 with cysteine.
Molecular consequence: missense variant.
Genome position (GRCh38, 1-based): chr20:34,994,243, C>T. VCF-style: chr20-34994243-C-T. GRCh37 (hg19) VCF-style: chr20-33582046-C-T.
Other names: short protein forms R848C.
Identifiers: ClinVar variation 1595594 (VCV001595594.33), dbSNP rs186471205, ClinGen allele CA9827409.

ClinVar aggregate classification (germline): Benign. Review status: criteria provided, multiple submitters, no conflicts (2 of 4 stars). 3 submissions from 3 submitters: Benign (3). Last evaluated 2026-02-01.

Allele frequency attached by ClinVar (database versions not stated): 1000 Genomes Project 0.00419; 1000 Genomes Project 30x 0.00422; TOPMed 0.00966; gnomAD exomes 0.01043; ExAC 0.01051; ESP Exome Variant Server 0.01079; gnomAD 0.01105 and 0.01152.
gnomAD v4.1: 20,542 of 1,613,138 alleles (1.3%); highest among the groups gnomAD compares: Non-Finnish European, 1.5%; 138 homozygotes.

Submissions (3):

Labcorp Genetics (formerly Invitae), Labcorp
Classification: Benign. Last evaluated: 2026-02-01. Review status: criteria provided, single submitter. Criteria: Invitae Variant Classification Sherloc (09022015). Collection method: clinical testing. Allele origin: germline.

CeGaT Center for Human Genetics Tuebingen
Classification: Benign. Last evaluated: 2023-01-01. Review status: criteria provided, single submitter. Criteria: CeGaT Center For Human Genetics Tuebingen Variant Classification Criteria Version 2. Collection method: clinical testing. Allele origin: germline. Affected: yes. Observed: 1 variant allele.
Comment: MYH7B: BS1, BS2

Breakthrough Genomics
Classification: Benign. Review status: criteria provided, single submitter. Criteria: ACMG Guidelines, 2015. Collection method: not provided. Allele origin: germline. Inheritance: Unknown mechanism. Affected: yes.